The following is an entry in ClinVar:

ClinVar aggregate classification (germline): Uncertain significance (1 of 4 stars; one submission).

Submission:

Women's Health and Genetics/Laboratory Corporation of America, LabCorp
Classification: Uncertain significance. Last evaluated: 2026-04-29. Review status: criteria provided, single submitter. Criteria: LabCorp Variant Classification Summary - May 2015. Collection method: clinical testing. Allele origin: germline.
Comment: Variant summary: The variant involves the deletion of exons 1-37 in the POLA1 gene. A presumed nomenclature of c.(?_-45)_(*1037_?)del has been designated for the purposes of this classification. This deletion includes the entire coding sequence of the gene. As the exact proximal and distal breakpoints are unknown, it may extend beyond the annotated region of the gene to include other flanking genes. Current evidence is not sufficient to establish loss of function as a mechanism for disease. The variant was absent in 16120 control chromosomes. The available data on variant occurrences in the general population are insufficient to allow any conclusion about variant significance. To our knowledge, no occurrence of c.(?_-45)_(*1037_?)del in individuals affected with POLA1-related conditions and no experimental evidence demonstrating its impact on protein function have been reported. No submitters have cited clinical-significance assessments for this variant to ClinVar. Based on the evidence outlined above, the variant was classified as uncertain significance.

NC_000023.10:g.(?_24712034)_(25015104_?)del

Gene: POLA1 (DNA polymerase alpha 1, catalytic subunit; plus strand). Cytogenetic location: Xp22.11-21.3.
Variant type: Deletion.
Identifiers: ClinVar variation 4848514 (VCV004848514.1).